The following is an entry in ClinVar:

ClinVar aggregate classification (germline): Uncertain significance (0 of 4 stars; one submission).

Conditions:
POLR2A-related disorder. Also called: POLR2A-related condition.

Submission:

PreventionGenetics, part of Exact Sciences
Classification: Uncertain significance for POLR2A-related condition. Last evaluated: 2024-02-29. Review status: no assertion criteria provided. Collection method: clinical testing. Allele origin: germline.
Comment: The POLR2A c.1750C>T variant is predicted to result in the amino acid substitution p.Pro584Ser. To our knowledge, this variant has not been reported in the literature or in a large population database, indicating this variant is rare. At this time, the clinical significance of this variant is uncertain due to the absence of conclusive functional and genetic evidence.

NM_000937.5(POLR2A):c.1750C>T (p.Pro584Ser)

Gene: POLR2A (RNA polymerase II subunit A; plus strand). Cytogenetic location: 17p13.1.
Variant type: single nucleotide variant.
Coding change: c.1750C>T on transcript NM_000937.5 (MANE Select); coding-DNA position 1750, C replaced by T.
Protein change: p.Pro584Ser; replaces proline 584 with serine.
Molecular consequence: missense variant.
Genome position (GRCh38, 1-based): chr17:7,500,717, C>T. VCF-style: chr17-7500717-C-T. GRCh37 (hg19) VCF-style: chr17-7404036-C-T.
Other names: short protein forms P584S.
Identifiers: ClinVar variation 3349564 (VCV003349564.1).